The following is an entry in ClinVar:

NM_007347.5(AP4E1):c.1582G>A (p.Glu528Lys)

Gene: AP4E1 (adaptor related protein complex 4 subunit epsilon 1; plus strand). Cytogenetic location: 15q21.2.
Variant type: single nucleotide variant.
Coding change: c.1582G>A on transcript NM_007347.5 (MANE Select); coding-DNA position 1582, G replaced by A.
Protein change: p.Glu528Lys; replaces glutamic acid 528 with lysine.
Molecular consequence: missense variant.
Genome position (GRCh38, 1-based): chr15:50,958,525, G>A. VCF-style: chr15-50958525-G-A. GRCh37 (hg19) VCF-style: chr15-51250722-G-A.
Other names: c.1357G>A, p.Glu453Lys (NM_001252127.2); short protein forms E528K, E453K.
Identifiers: ClinVar variation 849082 (VCV000849082.10), dbSNP rs1267824482, ClinGen allele CA392418293.

ClinVar aggregate classification (germline): Uncertain significance. Review status: criteria provided, multiple submitters, no conflicts (2 of 4 stars). 2 submissions from 2 submitters: Uncertain significance (2). Last evaluated 2024-05-08.

Conditions:
Spastic paraplegia. Identifiers: MedGen C0037772, HP:0001258.

Allele frequency attached by ClinVar (database versions not stated): gnomAD exomes below 0.00001; TOPMed below 0.00001; gnomAD 0.00001.
gnomAD v4.1: 6 of 1,613,230 alleles (0.00037%); highest among the groups gnomAD compares: Non-Finnish European, 0.00051%; no homozygotes.

Submissions (2):

Blueprint Genetics
Classification: Uncertain significance. Last evaluated: 2024-05-08. Review status: criteria provided, single submitter. Criteria: ACMG Guidelines, 2015. Collection method: clinical testing. Allele origin: germline.

Labcorp Genetics (formerly Invitae), Labcorp
Classification: Uncertain significance for Spastic paraplegia. Last evaluated: 2022-06-27. Review status: criteria provided, single submitter. Criteria: Invitae Variant Classification Sherloc (09022015). Collection method: clinical testing. Allele origin: germline.
Comment: This sequence change replaces glutamic acid, which is acidic and polar, with lysine, which is basic and polar, at codon 528 of the AP4E1 protein (p.Glu528Lys). This variant is not present in population databases (gnomAD no frequency). This variant has not been reported in the literature in individuals affected with AP4E1-related conditions. ClinVar contains an entry for this variant (Variation ID: 849082). Algorithms developed to predict the effect of missense changes on protein structure and function (SIFT, PolyPhen-2, Align-GVGD) all suggest that this variant is likely to be tolerated. In summary, the available evidence is currently insufficient to determine the role of this variant in disease. Therefore, it has been classified as a Variant of Uncertain Significance.